The following is an entry in ClinVar:

NM_001791.4(CDC42):c.346C>G (p.Gln116Glu)

Gene: CDC42 (cell division cycle 42; plus strand). Cytogenetic location: 1p36.12.
Variant type: single nucleotide variant.
Coding change: c.346C>G on transcript NM_001791.4 (MANE Select); coding-DNA position 346, C replaced by G.
Protein change: p.Gln116Glu; replaces glutamine 116 with glutamic acid.
Molecular consequence: missense variant.
Genome position (GRCh38, 1-based): chr1:22,086,726, C>G. VCF-style: chr1-22086726-C-G. GRCh37 (hg19) VCF-style: chr1-22413219-C-G.
Other names: c.346C>G, p.Gln116Glu (NM_001039802.2, NM_044472.3); short protein forms Q116E.
Identifiers: ClinVar variation 453192 (VCV000453192.3), dbSNP rs1553196119, ClinGen allele CA338907326.

ClinVar aggregate classification (germline): Likely pathogenic (1 of 4 stars; one submission).

Submission:

GeneDx
Classification: Likely pathogenic. Last evaluated: 2025-05-20. Review status: criteria provided, single submitter. Criteria: GeneDx Variant Classification Process June 2021. Collection method: clinical testing. Allele origin: germline. Affected: yes.
Comment: Not observed at significant frequency in large population cohorts (gnomAD); In silico analysis suggests that this missense variant does not alter protein structure/function; Has not been previously published as pathogenic or benign to our knowledge